The following is an entry in ClinVar:

NM_182961.4(SYNE1):c.12446C>A (p.Ala4149Asp)

Gene: SYNE1 (spectrin repeat containing nuclear envelope protein 1; minus strand). Cytogenetic location: 6q25.2.
Variant type: single nucleotide variant.
Coding change: c.12446C>A on transcript NM_182961.4 (MANE Select); coding-DNA position 12446, C replaced by A.
Protein change: p.Ala4149Asp; replaces alanine 4149 with aspartic acid.
Molecular consequence: missense variant.
Genome position (GRCh38, 1-based): chr6:152,336,923, G>T on the plus strand (C>A on the coding strand, the complement: SYNE1 is on the minus strand). VCF-style: chr6-152336923-G-T. GRCh37 (hg19) VCF-style: chr6-152658058-G-T.
Other names: c.12233C>A, p.Ala4078Asp (NM_033071.5); short protein forms A4149D, A4078D.
Identifiers: ClinVar variation 2187845 (VCV002187845.4), dbSNP rs140069531, ClinGen allele CA4056396.
Genomic context (GRCh38, chr6:152,336,923, plus strand): 5'-TGTGCAATGTTCAGCTCCAGCTCAGAGTGCCTCCTCTTCATGTTCTGCAGTTGCTGATCA[G>T]CATCTTGCAGGTAAATCCAGAGCTCAGACTTCAGGTGCTTGATCTCTTCCCAGCCCTGAG-3'
Protein context (NP_892006.3, residues 4139-4159): KSELWIYLQD[Ala4149Asp]DQQLQNMKRR

ClinVar aggregate classification (germline): Uncertain significance (1 of 4 stars; one submission).

Conditions:
Emery-Dreifuss muscular dystrophy 4, autosomal dominant (EDMD4). Also called: EMERY-DREIFUSS MUSCULAR DYSTROPHY 4 WITH VARIABLE FEATURES. Identifiers: Orphanet 261, MedGen C2751807, MONDO:0013071, OMIM 612998.
Autosomal recessive ataxia, Beauce type. Also called: Spinocerebellar ataxia, autosomal recessive 8; ATAXIA, RECESSIVE, OF BEAUCE; SYNE1-Related Autosomal Recessive Cerebellar Ataxia; SYNE1 Deficiency. Identifiers: Orphanet 88644, MedGen C1853116, MONDO:0012549, OMIM 610743.

Allele frequency attached by ClinVar (database versions not stated): gnomAD exomes below 0.00001; ExAC 0.00001; gnomAD 0.00001; TOPMed 0.00002; ESP Exome Variant Server 0.00008.
gnomAD v4.1: 3 of 1,614,030 alleles (0.00019%); highest among the groups gnomAD compares: African/African-American, 0.004%; no homozygotes.

Submission:

Labcorp Genetics (formerly Invitae), Labcorp
Classification: Uncertain significance for Emery-Dreifuss muscular dystrophy 4, autosomal dominant; Autosomal recessive ataxia, Beauce type. Last evaluated: 2022-03-10. Review status: criteria provided, single submitter. Criteria: Invitae Variant Classification Sherloc (09022015). Collection method: clinical testing. Allele origin: germline.
Comment: In summary, the available evidence is currently insufficient to determine the role of this variant in disease. Therefore, it has been classified as a Variant of Uncertain Significance. Algorithms developed to predict the effect of missense changes on protein structure and function (SIFT, PolyPhen-2, Align-GVGD) all suggest that this variant is likely to be disruptive. This variant has not been reported in the literature in individuals affected with SYNE1-related conditions. This variant is present in population databases (rs140069531, gnomAD 0.01%). This sequence change replaces alanine, which is neutral and non-polar, with aspartic acid, which is acidic and polar, at codon 4078 of the SYNE1 protein (p.Ala4078Asp).